The following is an entry in ClinVar:

ClinVar aggregate classification (germline): Pathogenic/Likely pathogenic. Review status: no assertion criteria provided (0 of 4 stars). 2 submissions from 2 submitters: Pathogenic (1); Likely pathogenic (1). Last evaluated 2001-01-01.

Conditions:
Neuronal ceroid lipofuscinosis 8 (CLN8). Also called: CLN8-Related Neuronal Ceroid-Lipofuscinosis. Identifiers: Orphanet 168491, Orphanet 228354, Orphanet 79264, MedGen C1838570, MONDO:0010830, OMIM 600143.

Submissions (2):

OMIM
Classification: Pathogenic for CEROID LIPOFUSCINOSIS, NEURONAL, 8. Last evaluated: 2001-01-01. Review status: no assertion criteria provided. Collection method: literature only. Allele origin: germline.

Juha Muilu Group; Institute for Molecular Medicine Finland (FIMM)
Classification: Likely pathogenic for Ceroid lipofuscinosis neuronal 8. Review status: no assertion criteria provided. Collection method: not provided. Allele origin: unknown.
Comment: FinDis database variant: This variant was not found or characterized by our laboratory, data were collected from public sources: see reference
ClinVar note: Converted during submission from probable-pathogenic to Likely pathogenic.

Literature cited by the submitters: PubMed 11589000 (cited by OMIM); PubMed 10508524 (cited by OMIM).

NM_018941.4(CLN8):c.88del (p.Ala30fs)

Gene: CLN8 (CLN8 transmembrane ER and ERGIC protein; plus strand). Cytogenetic location: 8p23.3.
Variant type: Deletion.
Coding change: c.88del on transcript NM_018941.4 (MANE Select); coding-DNA position 88, one base deleted (G; older notation c.88delG).
Protein change: p.Ala30fs; shifts the reading frame from alanine 30.
Molecular consequence: frameshift variant.
Genome position (GRCh38, 1-based): chr8:1,771,142, G deleted. VCF-style (leftmost placement, unchanged base first): chr8-1771141-CG-C. GRCh37 (hg19) VCF-style: chr8-1719307-CG-C.
Other names: c.88delG (NM_018941.3); short protein forms A30fs.
Identifiers: ClinVar variation 56720 (VCV000056720.3), dbSNP rs386834139, ClinGen allele CA264194.
Genomic context (GRCh38, chr8:1,771,141, plus strand): 5'-ATCAGAGAGCATTTTTGACCTGGACTATGCATCCTGGGGGATCCGCTCCACGCTGATGGT[CG>C]CTGGCTTTGTCTTCTACTTGGGCGTCTTTGTGGTCTGCCACCAGCTGTCCTCTTCCCTGA-3'